The following is an entry in ClinVar:

NM_015215.4(CAMTA1):c.3043G>A (p.Gly1015Arg)

Gene: CAMTA1 (calmodulin binding transcription activator 1; plus strand). Cytogenetic location: 1p36.23.
Variant type: single nucleotide variant.
Coding change: c.3043G>A on transcript NM_015215.4 (MANE Select); coding-DNA position 3043, G replaced by A.
Protein change: p.Gly1015Arg; replaces glycine 1015 with arginine.
Molecular consequence: missense variant.
Genome position (GRCh38, 1-based): chr1:7,732,576, G>A. VCF-style: chr1-7732576-G-A. GRCh37 (hg19) VCF-style: chr1-7792636-G-A.
Other names: c.2953G>A, p.Gly985Arg (NM_001349612.2, NM_001349608.2); c.172G>A, p.Gly58Arg (NM_001349613.1); c.115G>A, p.Gly39Arg (NM_001349614.1, NM_001349615.2, NM_001349616.2 and 10 more transcripts); c.3043G>A, p.Gly1015Arg (NM_001410737.1, NM_001349609.2, NM_001349610.2); c.2971G>A, p.Gly991Arg (NM_001410738.1); short protein forms G58R, G39R, G985R, G1015R, G991R.
Identifiers: ClinVar variation 3714152 (VCV003714152.2).
Genomic context (GRCh38, chr1:7,732,576, plus strand): 5'-GGGTCCCAGCAGCACAAACAGGCGAGCGGAGGCGGCAGCAGTGGAGGCGGCAGCGGGAGC[G>A]GGAATGGAGGGAGCCAGGCACAGGTACGAGGCGGTGCTGATGCTCAGCTCCCATTTCGCT-3'
Protein context (NP_056030.1, residues 1005-1025): GGSSGGGSGS[Gly1015Arg]NGGSQAQCAS

ClinVar aggregate classification (germline): Uncertain significance (1 of 4 stars; one submission).

gnomAD v4.1: 123 of 1,609,484 alleles (0.0076%); highest among the groups gnomAD compares: Middle Eastern, 0.038%; no homozygotes.

Submission:

Labcorp Genetics (formerly Invitae), Labcorp
Classification: Uncertain significance. Last evaluated: 2024-03-13. Review status: criteria provided, single submitter. Criteria: Invitae Variant Classification Sherloc (09022015). Collection method: clinical testing. Allele origin: germline.
Comment: This sequence change replaces glycine, which is neutral and non-polar, with arginine, which is basic and polar, at codon 1015 of the CAMTA1 protein (p.Gly1015Arg). This variant is present in population databases (rs149581711, gnomAD 0.009%). This variant has not been reported in the literature in individuals affected with CAMTA1-related conditions. An algorithm developed to predict the effect of missense changes on protein structure and function (PolyPhen-2) suggests that this variant is likely to be disruptive. In summary, the available evidence is currently insufficient to determine the role of this variant in disease. Therefore, it has been classified as a Variant of Uncertain Significance.